The following is an entry in ClinVar:

ClinVar aggregate classification (germline): Uncertain significance (1 of 4 stars; one submission).

Submission:

CeGaT Center for Human Genetics Tuebingen
Classification: Uncertain significance. Last evaluated: 2022-09-01. Review status: criteria provided, single submitter. Criteria: CeGaT Center For Human Genetics Tuebingen Variant Classification Criteria Version 2. Collection method: clinical testing. Allele origin: germline. Affected: yes. Observed: 1 variant allele.
Comment: NRAS: PM2, PP2

NM_002524.5(NRAS):c.264G>C (p.Lys88Asn)

Gene: NRAS (NRAS proto-oncogene, GTPase; minus strand). Cytogenetic location: 1p13.2.
Variant type: single nucleotide variant.
Coding change: c.264G>C on transcript NM_002524.5 (MANE Select); coding-DNA position 264, G replaced by C.
Protein change: p.Lys88Asn; replaces lysine 88 with asparagine.
Molecular consequence: missense variant.
Genome position (GRCh38, 1-based): chr1:114,713,826, C>G on the plus strand (G>C on the coding strand, the complement: NRAS is on the minus strand). VCF-style: chr1-114713826-C-G. GRCh37 (hg19) VCF-style: chr1-115256447-C-G.
Other names: short protein forms K88N.
Identifiers: ClinVar variation 2639009 (VCV002639009.24), dbSNP rs2101741799, ClinGen allele CA341741376.